The following is an entry in ClinVar:

ClinVar aggregate classification (germline): Uncertain significance. Review status: criteria provided, multiple submitters, no conflicts (2 of 4 stars). 2 submissions from 2 submitters: Uncertain significance (2). Last evaluated 2026-06-09.

Conditions:
Familial thoracic aortic aneurysm and aortic dissection (TAAD). Also called: Thoracic aortic aneurysms and dissections. Identifiers: Orphanet 91387, MedGen C4707243, MONDO:0019625.
Melnick-Needles syndrome (MNS). Also called: OSTEODYSPLASTY OF MELNICK AND NEEDLES; Melnick-Needles Syndrome (FLNA-MNS); MELNICK-NEEDLES OSTEODYSPLASTY. Identifiers: Orphanet 2484, MedGen C0025237, MONDO:0010650, OMIM 309350.
Frontometaphyseal dysplasia (FMD1). Identifiers: Orphanet 1826, MedGen C0265293, MONDO:0015942.
Oto-palato-digital syndrome, type II (OPD2). Also called: OPD II SYNDROME; Otopalatodigital Syndrome, Type II; Otopalatodigital Syndrome Type 2 (FLNA-OPD2); FACIOPALATOOSSEOUS SYNDROME. Identifiers: Orphanet 669, Orphanet 90652, MedGen C1844696, MONDO:0010571, OMIM 304120.
Heterotopia, periventricular, X-linked dominant (PVNH1). Also called: PERIVENTRICULAR NODULAR HETEROTOPIA 1; X-linked periventricular heterotopia; PERIVENTRICULAR NODULAR HETEROTOPIA 4; HETEROTOPIA, PERIVENTRICULAR, 1. Identifiers: Orphanet 2149, Orphanet 82004, MedGen C1848213, MONDO:0010233, OMIM 300049.

Allele frequency attached by ClinVar (database versions not stated): gnomAD exomes below 0.00001.
gnomAD v4.1: 2 of 1,196,761 alleles (0.00017%); highest among the groups gnomAD compares: African/African-American, 0.0035%; no homozygotes.

Submissions (2):

Ambry Genetics
Classification: Uncertain significance for Familial thoracic aortic aneurysm and aortic dissection. Last evaluated: 2026-06-09. Review status: criteria provided, single submitter. Criteria: Ambry Variant Classification Scheme 2023. Collection method: clinical testing. Allele origin: germline.
Comment: The p.A16V variant (also known as c.47C>T), located in coding exon 1 of the FLNA gene, results from a C to T substitution at nucleotide position 47. The alanine at codon 16 is replaced by valine, an amino acid with similar properties. This amino acid position is conserved. In addition, this alteration is predicted to be tolerated by in silico analysis. Based on the available evidence, the clinical significance of this variant remains unclear.

Labcorp Genetics (formerly Invitae), Labcorp
Classification: Uncertain significance for Oto-palato-digital syndrome, type II; Heterotopia, periventricular, X-linked dominant; Frontometaphyseal dysplasia; Melnick-Needles syndrome. Last evaluated: 2026-02-02. Review status: criteria provided, single submitter. Criteria: Invitae Variant Classification Sherloc (09022015). Collection method: clinical testing. Allele origin: germline.
Comment: This sequence change replaces alanine, which is neutral and non-polar, with valine, which is neutral and non-polar, at codon 16 of the FLNA protein (p.Ala16Val). This variant is not present in population databases (gnomAD no frequency). This variant has not been reported in the literature in individuals affected with FLNA-related conditions. ClinVar contains an entry for this variant (Variation ID: 2030128). Invitae Evidence Modeling of protein sequence and biophysical properties (such as structural, functional, and spatial information, amino acid conservation, physicochemical variation, residue mobility, and thermodynamic stability) indicates that this missense variant is not expected to disrupt FLNA protein function with a negative predictive value of 95%. In summary, the available evidence is currently insufficient to determine the role of this variant in disease. Therefore, it has been classified as a Variant of Uncertain Significance.

NM_001110556.2(FLNA):c.47C>T (p.Ala16Val)

Gene: FLNA (filamin A; minus strand). Cytogenetic location: Xq28.
Variant type: single nucleotide variant.
Coding change: c.47C>T on transcript NM_001110556.2 (MANE Select); coding-DNA position 47, C replaced by T.
Protein change: p.Ala16Val; replaces alanine 16 with valine.
Molecular consequence: missense variant.
Genome position (GRCh38, 1-based): chrX:154,371,199, G>A on the plus strand (C>T on the coding strand, the complement: FLNA is on the minus strand). VCF-style: chrX-154371199-G-A. GRCh37 (hg19) VCF-style: chrX-153599567-G-A.
Other names: c.47C>T (NM_001456.3); c.47C>T, p.Ala16Val (NM_001456.4); short protein forms A16V.
Identifiers: ClinVar variation 2030128 (VCV002030128.5), dbSNP rs2522772127, ClinGen allele CA415255802.